The following is an entry in ClinVar:

NM_000051.4(ATM):c.7615G>T (p.Glu2539Ter)

Genes: ATM (ATM serine/threonine kinase; plus strand), C11orf65 (chromosome 11 open reading frame 65; minus strand). Cytogenetic location: 11q22.3.
Variant type: single nucleotide variant.
Coding change: c.7615G>T on transcript NM_000051.4 (MANE Select); coding-DNA position 7615, G replaced by T.
Protein change: p.Glu2539Ter; replaces glutamic acid 2539 with a stop codon.
Molecular consequence: nonsense. On other transcripts: intron variant (2), non-coding transcript variant (1).
Genome position (GRCh38, 1-based): chr11:108,331,543, G>T. VCF-style: chr11-108331543-G-T. GRCh37 (hg19) VCF-style: chr11-108202270-G-T.
Other names: c.7615G>T, p.Glu2539Ter (NM_001351834.2); c.641-22472C>A (NM_001330368.2); c.*38+3677C>A (NM_001351110.2); short protein forms E2539*.
Identifiers: ClinVar variation 3644541 (VCV003644541.2).

ClinVar aggregate classification (germline): Pathogenic (1 of 4 stars; one submission).

Conditions:
Ataxia-telangiectasia syndrome (AT). Also called: Ataxia-telangiectasia, complementation group D; AT, COMPLEMENTATION GROUP C; ATAXIA-TELANGIECTASIA, COMPLEMENTATION GROUP A; ATAXIA-TELANGIECTASIA, FRESNO VARIANT; Ataxia-telangiectasia; Ataxia-telangiectasia, complementation group E. Identifiers: Orphanet 100, MedGen C0004135, MONDO:0008840, OMIM 208900.

Submission:

Labcorp Genetics (formerly Invitae), Labcorp
Classification: Pathogenic for Ataxia-telangiectasia syndrome. Last evaluated: 2024-03-05. Review status: criteria provided, single submitter. Criteria: Invitae Variant Classification Sherloc (09022015). Collection method: clinical testing. Allele origin: germline.
Comment: This sequence change creates a premature translational stop signal (p.Glu2539*) in the ATM gene. It is expected to result in an absent or disrupted protein product. Loss-of-function variants in ATM are known to be pathogenic (PMID: 23807571, 25614872). This variant is not present in population databases (gnomAD no frequency). This premature translational stop signal has been observed in individual(s) with prostate cancer (PMID: 32832836). For these reasons, this variant has been classified as Pathogenic.

Literature cited by the submitters: PubMed 23807571; PubMed 25614872; PubMed 32832836.